The following is an entry in ClinVar:

ClinVar aggregate classification (germline): Uncertain significance (1 of 4 stars; one submission).

Submission:

Labcorp Genetics (formerly Invitae), Labcorp
Classification: Uncertain significance. Last evaluated: 2024-11-16. Review status: criteria provided, single submitter. Criteria: Invitae Variant Classification Sherloc (09022015). Collection method: clinical testing. Allele origin: germline.
Comment: This sequence change replaces serine, which is neutral and polar, with cysteine, which is neutral and slightly polar, at codon 1655 of the TRRAP protein (p.Ser1655Cys). This variant is not present in population databases (gnomAD no frequency). This variant has not been reported in the literature in individuals affected with TRRAP-related conditions. Invitae Evidence Modeling of protein sequence and biophysical properties (such as structural, functional, and spatial information, amino acid conservation, physicochemical variation, residue mobility, and thermodynamic stability) indicates that this missense variant is expected to disrupt TRRAP protein function with a positive predictive value of 80%. In summary, the available evidence is currently insufficient to determine the role of this variant in disease. Therefore, it has been classified as a Variant of Uncertain Significance.

NM_001375524.1(TRRAP):c.5038A>T (p.Ser1680Cys)

Genes: TRRAP (transformation/transcription domain associated protein; plus strand), LOC126860121 (MED14-independent group 3 enhancer GRCh37_chr7:98547245-98548444; plus strand). Cytogenetic location: 7q22.1.
Variant type: single nucleotide variant.
Coding change: c.5038A>T on transcript NM_001375524.1 (MANE Select); coding-DNA position 5038, A replaced by T.
Protein change: p.Ser1680Cys; replaces serine 1680 with cysteine.
Molecular consequence: missense variant.
Genome position (GRCh38, 1-based): chr7:98,949,744, A>T. VCF-style: chr7-98949744-A-T. GRCh37 (hg19) VCF-style: chr7-98547367-A-T.
Other names: c.5017A>T, p.Ser1673Cys (NM_001244580.2); c.4963A>T, p.Ser1655Cys (NM_003496.4); short protein forms S1655C, S1680C, S1673C.
Identifiers: ClinVar variation 3681527 (VCV003681527.2).